The following is an entry in ClinVar:

ClinVar aggregate classification (germline): Likely pathogenic (1 of 4 stars; one submission).

Conditions:
Autosomal recessive Alport syndrome (ATS2). Also called: ALPORT SYNDROME 2, AUTOSOMAL RECESSIVE; COL4A3-Related Nephropathy; COL4A4 Alport Syndrome and Thin Basement Membrane Nephropathy; Alport syndrome type 2. Identifiers: Orphanet 63, Orphanet 88919, MedGen C4746745, MONDO:0008762, OMIM 203780.

gnomAD v4.1: 1 of 1,614,100 alleles (0.000062%); highest among the groups gnomAD compares: South Asian, 0.0011%; no homozygotes.

Submission:

MVZ Medizinische Genetik Mainz
Classification: Likely pathogenic for Autosomal recessive Alport syndrome. Last evaluated: 2024-05-28. Review status: criteria provided, single submitter. Criteria: UK Practice Guidelines For Variant Classification V4 01 2020. Collection method: clinical testing. Allele origin: germline. Inheritance: Autosomal dominant inheritance. Affected: yes. Observed: 1 variant allele.
Comment: ACMG Criteria: PM1_STR,PM2_SUP,PM5_SUP,PP3,PP4

NM_000092.5(COL4A4):c.1544G>A (p.Gly515Glu)

Gene: COL4A4 (collagen type IV alpha 4 chain; minus strand). Cytogenetic location: 2q36.3.
Variant type: single nucleotide variant.
Coding change: c.1544G>A on transcript NM_000092.5 (MANE Select); coding-DNA position 1544, G replaced by A.
Protein change: p.Gly515Glu; replaces glycine 515 with glutamic acid.
Molecular consequence: missense variant.
Genome position (GRCh38, 1-based): chr2:227,088,732, C>T on the plus strand (G>A on the coding strand, the complement: COL4A4 is on the minus strand). VCF-style: chr2-227088732-C-T. GRCh37 (hg19) VCF-style: chr2-227953448-C-T.
Other names: short protein forms G515E.
Identifiers: ClinVar variation 3256697 (VCV003256697.1).